The following is an entry in ClinVar:

NM_001148.6(ANK2):c.5498T>C (p.Leu1833Pro)

Genes: ANK2 (ankyrin 2; plus strand), LOC126807136 (MED14-independent group 3 enhancer GRCh37_chr4:114274931-114276130; plus strand). Cytogenetic location: 4q26.
Variant type: single nucleotide variant.
Coding change: c.5498T>C on transcript NM_001148.6 (MANE Select); coding-DNA position 5498, T replaced by C.
Protein change: p.Leu1833Pro; replaces leucine 1833 with proline.
Molecular consequence: missense variant. On other transcripts: intron variant (68).
Genome position (GRCh38, 1-based): chr4:113,354,116, T>C. VCF-style: chr4-113354116-T-C. GRCh37 (hg19) VCF-style: chr4-114275272-T-C.
Other names: c.5264T>C, p.Leu1755Pro (NM_001386142.1); c.1898T>C, p.Leu633Pro (NM_001386166.1); c.5639T>C, p.Leu1880Pro (NM_001386174.1); c.5615T>C, p.Leu1872Pro (NM_001386175.1); c.4411+3867T>C (NM_001386186.2, NM_001386148.2); c.4213+3867T>C (NM_001354269.3); c.4291+3867T>C (NM_001386187.2); c.4252+3867T>C (NM_001386147.1); and 35 more; short protein forms L1755P, L1833P, L1872P, L1880P, L633P.
Identifiers: ClinVar variation 3360396 (VCV003360396.1).

ClinVar aggregate classification (germline): Uncertain significance (1 of 4 stars; one submission).

Submission:

GeneDx
Classification: Uncertain significance. Last evaluated: 2023-06-30. Review status: criteria provided, single submitter. Criteria: GeneDx Variant Classification Process June 2021. Collection method: clinical testing. Allele origin: germline. Affected: yes.
Comment: Not observed at significant frequency in large population cohorts (gnomAD); In silico analysis supports that this missense variant does not alter protein structure/function; Has not been previously published as pathogenic or benign to our knowledge